The following is an entry in ClinVar:

ClinVar aggregate classification (germline): Uncertain significance. Review status: criteria provided, multiple submitters, no conflicts (2 of 4 stars). 3 submissions from 3 submitters: Uncertain significance (3). Last evaluated 2025-07-02.

Conditions:
Inborn genetic diseases. Identifiers: MedGen C0950123, MeSH D030342.
Fanconi anemia (FA). Also called: Fanconi's anemia. Identifiers: Orphanet 84, MedGen C0015625, MeSH D005199, MONDO:0019391.

gnomAD v4.1: 21 of 1,613,722 alleles (0.0013%); highest among the groups gnomAD compares: Non-Finnish European, 0.0018%; no homozygotes.

Submissions (3):

Ambry Genetics
Classification: Uncertain significance for Inborn genetic diseases. Last evaluated: 2025-07-02. Review status: criteria provided, single submitter. Criteria: Ambry Variant Classification Scheme 2023. Collection method: clinical testing. Allele origin: germline.

Blueprint Genetics
Classification: Uncertain significance. Last evaluated: 2024-05-31. Review status: criteria provided, single submitter. Criteria: ACMG Guidelines, 2015. Collection method: clinical testing. Allele origin: germline.

Labcorp Genetics (formerly Invitae), Labcorp
Classification: Uncertain significance for Fanconi anemia. Last evaluated: 2024-05-20. Review status: criteria provided, single submitter. Criteria: Invitae Variant Classification Sherloc (09022015). Collection method: clinical testing. Allele origin: germline.
Comment: This sequence change replaces lysine, which is basic and polar, with asparagine, which is neutral and polar, at codon 817 of the FANCD2 protein (p.Lys817Asn). This variant is present in population databases (rs774509928, gnomAD 0.002%). This variant has not been reported in the literature in individuals affected with FANCD2-related conditions. ClinVar contains an entry for this variant (Variation ID: 2160829). Advanced modeling of protein sequence and biophysical properties (such as structural, functional, and spatial information, amino acid conservation, physicochemical variation, residue mobility, and thermodynamic stability) performed at Invitae indicates that this missense variant is not expected to disrupt FANCD2 protein function with a negative predictive value of 80%. In summary, the available evidence is currently insufficient to determine the role of this variant in disease. Therefore, it has been classified as a Variant of Uncertain Significance.

NM_001018115.3(FANCD2):c.2451G>C (p.Lys817Asn)

Genes: FANCD2 (FA complementation group D2; plus strand), LOC107303338 (3p25 FANCD2 Alu-mediated recombination region; plus strand). Cytogenetic location: 3p25.3.
Variant type: single nucleotide variant.
Coding change: c.2451G>C on transcript NM_001018115.3 (MANE Select); coding-DNA position 2451, G replaced by C.
Protein change: p.Lys817Asn; replaces lysine 817 with asparagine.
Molecular consequence: missense variant.
Genome position (GRCh38, 1-based): chr3:10,067,274, G>C. VCF-style: chr3-10067274-G-C. GRCh37 (hg19) VCF-style: chr3-10108958-G-C.
Other names: c.2451G>C, p.Lys817Asn (NM_001319984.2, NM_001374254.1, NM_033084.6); c.2340G>C, p.Lys780Asn (NM_001374253.1); short protein forms K780N, K817N.
Identifiers: ClinVar variation 2160829 (VCV002160829.4), dbSNP rs774509928, ClinGen allele CA2250086.